The following is an entry in ClinVar:

ClinVar aggregate classification (germline): Conflicting classifications of pathogenicity. Review status: criteria provided, conflicting classifications (1 of 4 stars). 18 submissions from 18 submitters: Uncertain significance (14); Likely benign (1). 3 of the submissions do not count toward it. Last evaluated 2026-09-23.

Conditions:
Cardiovascular phenotype. Identifiers: MedGen CN230736.
Hypertrophic cardiomyopathy 4. Also called: Familial hypertrophic cardiomyopathy 4. Identifiers: MedGen C1861862, MONDO:0007268, OMIM 115197.
Left ventricular noncompaction 10 (LVNC10). Identifiers: Orphanet 154, Orphanet 54260, MedGen C3715165, MONDO:0014163, OMIM 615396.
Cardiomyopathy (CMYO). Also called: Cardiomyopathies. Identifiers: Orphanet 167848, MedGen C0878544, MONDO:0004994, HP:0001638. Inheritance: Various modes of inheritance.
Hypertrophic cardiomyopathy. Also called: HYPERTROPHIC MYOCARDIOPATHY. Identifiers: Orphanet 217569, MedGen C0007194, MeSH D002312, MONDO:0005045, HP:0001639.

Allele frequency attached by ClinVar (database versions not stated): gnomAD 0.00002; TOPMed 0.00003; ExAC 0.00007; gnomAD exomes 0.00010.
gnomAD v4.1: 52 of 1,613,316 alleles (0.0032%); highest among the groups gnomAD compares: Admixed American, 0.032%; no homozygotes.

Submissions (18):

GeneDx
Classification: Uncertain significance. Last evaluated: 2026-09-23. Review status: criteria provided, single submitter. Criteria: GeneDx Variant Classification Process June 2021. Collection method: clinical testing. Allele origin: germline.
Comment: Identified in individuals with cardiomyopathy, although patient-specific clinical detail was often not provided and/or individuals had other variants potentially contributing to disease (PMID: 21750094, 24503780, 27532257, 37652022, 35026164, 40225148); In silico analysis supports that this missense variant has a deleterious effect on protein structure/function; This variant is associated with the following publications: (PMID: 24503780, 27532257, 29687901, 32880476, 25635128, 30847666, 21750094, 37652022, 40225148, 35026164)

Molecular Diagnostic Laboratory for Inherited Cardiovascular Disease, Montreal Heart Institute
Classification: Uncertain significance for Cardiovascular phenotype. Last evaluated: 2026-09-21. Review status: criteria provided, single submitter. Criteria: ACMG Guidelines, 2015. Collection method: clinical testing. Allele origin: germline. Affected: yes.
Comment: PM2

Labcorp Genetics (formerly Invitae), Labcorp
Classification: Uncertain significance for Hypertrophic cardiomyopathy. Last evaluated: 2026-01-04. Review status: criteria provided, single submitter. Criteria: Invitae Variant Classification Sherloc (09022015). Collection method: clinical testing. Allele origin: germline.
Comment: This sequence change replaces arginine, which is basic and polar, with histidine, which is basic and polar, at codon 238 of the MYBPC3 protein (p.Arg238His). This variant is present in population databases (rs727504396, gnomAD 0.05%), and has an allele count higher than expected for a pathogenic variant. This missense change has been observed in individual(s) with dilated or hypertrophic cardiomyopathy (PMID: 21750094, 24503780, 25635128, 27532257, 30847666, 32880476). ClinVar contains an entry for this variant (Variation ID: 177910). An algorithm developed to predict the effect of missense changes on protein structure and function (PolyPhen-2) suggests that this variant is likely to be disruptive. In summary, the available evidence is currently insufficient to determine the role of this variant in disease. Therefore, it has been classified as a Variant of Uncertain Significance.

CeGaT Center for Human Genetics Tuebingen
Classification: Uncertain significance. Last evaluated: 2025-05-01. Review status: criteria provided, single submitter. Criteria: CeGaT Center For Human Genetics Tuebingen Variant Classification Criteria Version 2. Collection method: clinical testing. Allele origin: germline. Affected: yes. Observed: 1 variant allele.

Blueprint Genetics
Classification: Uncertain significance. Last evaluated: 2024-08-12. Review status: criteria provided, single submitter. Criteria: ACMG Guidelines, 2015. Collection method: clinical testing. Allele origin: germline.

All of Us Research Program, National Institutes of Health
Classification: Uncertain significance for Hypertrophic cardiomyopathy. Last evaluated: 2024-07-10. Review status: criteria provided, single submitter. Criteria: ACMG Guidelines, 2015. Collection method: clinical testing. Allele origin: germline. Inheritance: Autosomal dominant inheritance. Observed: 16 variant alleles, 16 heterozygotes.
Comment: This missense variant replaces arginine with histidine at codon 238 of the MYBPC3 protein. Computational prediction suggests that this variant may have a deleterious impact on protein structure and function (internally defined REVEL score threshold >= 0.7, PMID: 27666373). To our knowledge, functional studies have not been reported for this variant. This variant has been reported in individuals affected with dilated cardiomyopathy (PMID: 21750094, 24503780, 25635128, 27532257, 30847666, 32880476) and in an individual affected with hypertrophic cardiomyopathy (PMID: 27532257). This variant has been identified in 25/247534 chromosomes in the general population by the Genome Aggregation Database (gnomAD). The elevated variant allele frequency in the general population indicates that this variant may not be disease-causing. However, additional studies are necessary to determine the role of this variant in disease conclusively. Therefore, this variant is classified as a Variant of Uncertain Significance.

This study involves interpretation of variants in research participants for the purpose of population health screening. Participant phenotype was not available at the time of variant classification. Additional details can be found in publication PMID: 35346344, PMCID: PMC8962531

Color Diagnostics, LLC DBA Color Health
Classification: Uncertain significance for Cardiomyopathy. Last evaluated: 2024-06-20. Review status: criteria provided, single submitter. Criteria: ACMG Guidelines, 2015. Collection method: clinical testing. Allele origin: germline.
Comment: This missense variant replaces arginine with histidine at codon 238 of the MYBPC3 protein. Computational prediction tools indicate that this variant has a deleterious impact on protein structure and function. To our knowledge, functional studies have not been reported for this variant. This variant has been reported in individuals affected with dilated cardiomyopathy (PMID: 21750094, 24503780, 25635128, 27532257, 30847666, 32880476, 35026164) and in an individual affected with hypertrophic cardiomyopathy (PMID: 27532257). This variant has been identified in 25/247534 chromosomes in the general population by the Genome Aggregation Database (gnomAD). The elevated variant allele frequency in the general population indicates that this variant may not be disease-causing. However, additional studies are necessary to determine the role of this variant in disease conclusively. Therefore, this variant is classified as a Variant of Uncertain Significance.

Mayo Clinic Laboratories, Mayo Clinic
Classification: Uncertain significance. Last evaluated: 2022-07-19. Review status: criteria provided, single submitter. Criteria: ACMG Guidelines, 2015. Collection method: clinical testing. Allele origin: germline. Observed: 1 variant allele.
Comment: BS1, BS4_supporting, PP3

Fulgent Genetics
Classification: Uncertain significance for Hypertrophic cardiomyopathy 4; Left ventricular noncompaction 10. Last evaluated: 2022-02-01. Review status: criteria provided, single submitter. Criteria: ACMG Guidelines, 2015. Collection method: clinical testing. Allele origin: unknown.

Ambry Genetics
Classification: Likely benign for Cardiovascular phenotype. Last evaluated: 2021-09-09. Review status: criteria provided, single submitter. Criteria: Ambry Variant Classification Scheme 2023. Collection method: clinical testing. Allele origin: germline.

Women's Health and Genetics/Laboratory Corporation of America, LabCorp
Classification: Uncertain significance. Last evaluated: 2020-11-16. Review status: criteria provided, single submitter. Criteria: LabCorp Variant Classification Summary - May 2015. Collection method: clinical testing. Allele origin: germline.
Comment: Variant summary: MYBPC3 c.713G>A (p.Arg238His) results in a non-conservative amino acid change located in the Immunoglobulin subtype domain (IPR003599) of the encoded protein sequence. Five of five in-silico tools predict a damaging effect of the variant on protein function. The variant allele was found at a frequency of 0.0001 in 247534 control chromosomes. This frequency is not significantly higher than expected for a pathogenic variant in MYBPC3 causing Cardiomyopathy (0.0001 vs 0.001), allowing no conclusion about variant significance. c.713G>A has been reported in the literature in individuals affected with Hypertrophic and Dilated Cardiomyopathy (example, Waldmuller_2011, Walsh_2017, Chae_2015). These report(s) do not provide unequivocal conclusions about association of the variant with Hypertrophic or Dilated Cardiomyopathy. To our knowledge, no experimental evidence demonstrating an impact on protein function has been reported. Seven clinical diagnostic laboratories have submitted clinical-significance assessments for this variant to ClinVar after 2014 without evidence for independent evaluation. All laboratories classified the variant as uncertain significance. Some submitters cite overlapping evidence utilized in the context of this evaluation. Based on the evidence outlined above, the variant was classified as uncertain significance.

Laboratory for Molecular Medicine, Mass General Brigham Personalized Medicine
Classification: Uncertain significance. Last evaluated: 2018-04-27. Review status: criteria provided, single submitter. Criteria: LMM Criteria. Collection method: clinical testing. Allele origin: germline. Observed: 5 variant alleles.
Comment: Variant classified as Uncertain Significance - Favor Benign. The p.Arg238His var iant in MYBPC3 has been reported in 1 individual with DCM (Waldmuller 2011). In this family, two infants with neonatal DCM had the Arg238H is variant in addition to a variant in ACTC1. The ACTC1 variant was present in three paternal relatives who had either mild LVH or LVNC and is suspected to be disease causing. The MYBPC3 Arg238His variant was inherited from the unaffected mother. Computational prediction tools and conservation analysis suggest that t he p.Arg238His variant may impact the protein, though this information is not pr edictive enough to determine pathogenicity. However, this variant has been ident ified in 0.05% (17/33486) of Latino chromosomes by the Genome Aggregation Databa se (gnomAD; dbSNP rs727504396). This variant h as been reported in ClinVar (Variant ID:177910). In summary, the clinical signif icance of the p.Arg238His variant is uncertain and its frequency suggests that i t is less likely to be disease causing on its own. ACMG/AMP Criteria applied: PP 3; BS1.

Genome Diagnostics Laboratory, University Medical Center Utrecht
Classification: Uncertain significance for Hypertrophic cardiomyopathy 4. Last evaluated: 2017-08-17. Review status: criteria provided, single submitter. Criteria: ACGS Guidelines, 2013. Collection method: clinical testing. Allele origin: germline. Affected: yes. Study: VKGL Data-share Consensus.

Clinical Genetics DNA and cytogenetics Diagnostics Lab, Erasmus MC, Erasmus Medical Center
Classification: Uncertain significance for Hypertrophic cardiomyopathy 4. Last evaluated: 2015-09-21. Review status: criteria provided, single submitter. Criteria: ACGS Guidelines, 2013. Collection method: clinical testing. Allele origin: germline. Affected: yes. Study: VKGL Data-share Consensus.

Stanford Center for Inherited Cardiovascular Disease, Stanford University
Classification: Uncertain significance. Last evaluated: 2015-03-30. Review status: criteria provided, single submitter. Criteria: ACMG Guidelines, 2015. Collection method: provider interpretation. Allele origin: germline.

Clinical Genetics, Academic Medical Center
Classification: Uncertain significance. Review status: no assertion criteria provided. Collection method: clinical testing. Allele origin: germline. Affected: yes. Study: VKGL Data-share Consensus. Not counted in ClinVar's aggregate classification.

Diagnostic Laboratory, Department of Genetics, University Medical Center Groningen
Classification: Uncertain significance for Hypertrophic cardiomyopathy 4. Review status: no assertion criteria provided. Collection method: clinical testing. Allele origin: germline. Affected: yes. Study: VKGL Data-share Consensus. Not counted in ClinVar's aggregate classification.

Joint Genome Diagnostic Labs from Nijmegen and Maastricht, Radboudumc and MUMC+
Classification: Uncertain significance. Review status: no assertion criteria provided. Collection method: clinical testing. Allele origin: germline. Affected: yes. Study: VKGL Data-share Consensus. Not counted in ClinVar's aggregate classification.

Literature cited by the submitters: PubMed 21750094 (cited by 7 submitters); PubMed 24503780 (cited by 5 submitters); PubMed 25635128 (cited by 6 submitters); PubMed 27532257 (cited by 6 submitters); PubMed 30847666 (cited by 4 submitters); PubMed 32880476 (cited by 4 submitters); PubMed 35026164 (cited by Color Diagnostics, LLC DBA Color Health).

NM_000256.3(MYBPC3):c.713G>A (p.Arg238His)

Gene: MYBPC3 (myosin binding protein C3; minus strand). Cytogenetic location: 11p11.2.
Variant type: single nucleotide variant.
Coding change: c.713G>A on transcript NM_000256.3 (MANE Select); coding-DNA position 713, G replaced by A.
Protein change: p.Arg238His; replaces arginine 238 with histidine.
Molecular consequence: missense variant.
Genome position (GRCh38, 1-based): chr11:47,348,483, C>T on the plus strand (G>A on the coding strand, the complement: MYBPC3 is on the minus strand). VCF-style: chr11-47348483-C-T. GRCh37 (hg19) VCF-style: chr11-47370034-C-T.
Other names: short protein forms R238H.
Identifiers: ClinVar variation 177910 (VCV000177910.54), dbSNP rs727504396, ClinGen allele CA015750.